The following is an entry in ClinVar:

ClinVar aggregate classification (germline): Benign/Likely benign. Review status: criteria provided, multiple submitters, no conflicts (2 of 4 stars). 11 submissions from 10 submitters: Benign (4); Likely benign (7). Last evaluated 2026-05-11.

Conditions:
Stickler syndrome type 1 (STL1). Also called: ARTHROOPHTHALMOPATHY, HEREDITARY PROGRESSIVE; STICKLER SYNDROME, MEMBRANOUS VITREOUS TYPE; STICKLER SYNDROME, VITREOUS TYPE 1; COL2A1-Related Stickler Syndrome. Identifiers: Orphanet 828, Orphanet 90653, MedGen C2020284, MONDO:0007160, OMIM 108300.
Type 2 collagenopathy. Identifiers: Orphanet 93421, MedGen C2931073, MONDO:0022800.

Allele frequency attached by ClinVar (database versions not stated): 1000 Genomes Project 0.00060; 1000 Genomes Project 30x 0.00078; gnomAD 0.00084 and 0.00086; TOPMed 0.00089; gnomAD exomes 0.00091 and 0.00148; ExAC 0.00095; ESP Exome Variant Server 0.00100.
gnomAD v4.1: 2,257 of 1,613,802 alleles (0.14%); highest among the groups gnomAD compares: Non-Finnish European, 0.17%; 6 homozygotes.

Submissions (11):

Women's Health and Genetics/Laboratory Corporation of America, LabCorp
Classification: Likely benign. Last evaluated: 2026-05-11. Review status: criteria provided, single submitter. Criteria: LabCorp Variant Classification Summary - May 2015. Collection method: clinical testing. Allele origin: germline.

CeGaT Center for Human Genetics Tuebingen
Classification: Likely benign. Last evaluated: 2026-05-01. Review status: criteria provided, single submitter. Criteria: CeGaT Center For Human Genetics Tuebingen Variant Classification Criteria Version 2. Collection method: clinical testing. Allele origin: germline. Affected: yes. Observed: 3 variant alleles.
Comment: COL2A1: BP4, BP7, BS1

Labcorp Genetics (formerly Invitae), Labcorp
Classification: Benign. Last evaluated: 2026-01-24. Review status: criteria provided, single submitter. Criteria: Invitae Variant Classification Sherloc (09022015). Collection method: clinical testing. Allele origin: germline.

Laboratory of Genetics, Children's Clinical University Hospital Latvia
Classification: Benign. Last evaluated: 2025-02-16. Review status: criteria provided, single submitter. Criteria: ACMG Guidelines, 2015. Collection method: clinical testing. Allele origin: germline. Affected: yes.

Blueprint Genetics
Classification: Likely benign. Last evaluated: 2024-11-13. Review status: criteria provided, single submitter. Criteria: ACMG Guidelines, 2015. Collection method: clinical testing. Allele origin: germline.

ARUP Laboratories, Molecular Genetics and Genomics, ARUP Laboratories
Classification: Benign. Last evaluated: 2024-02-07. Review status: criteria provided, single submitter. Criteria: ARUP Molecular Germline Variant Investigation Process 2024. Collection method: clinical testing. Allele origin: germline.

GeneDx
Classification: Likely benign. Last evaluated: 2021-06-28. Review status: criteria provided, single submitter. Criteria: GeneDx Variant Classification Process June 2021. Collection method: clinical testing. Allele origin: germline. Affected: yes.

Eurofins Ntd Llc (ga)
Classification: Likely benign. Last evaluated: 2018-06-25. Review status: criteria provided, single submitter. Criteria: EGL ClinVar v180209 classification definitions. Collection method: clinical testing. Allele origin: germline. Observed: 2 variant alleles, 2 heterozygotes.

Illumina Laboratory Services, Illumina
Classification: Benign for Type II Collagenopathies. Last evaluated: 2018-01-12. Review status: criteria provided, single submitter. Criteria: ICSL Variant Classification Criteria 13 December 2019. Collection method: clinical testing. Allele origin: germline.
Comment: This variant was observed in the ICSL laboratory as part of a predisposition screen in an ostensibly healthy population. It had not been previously curated by ICSL or reported in the Human Gene Mutation Database (HGMD: prior to June 1st, 2018), and was therefore a candidate for classification through an automated scoring system. Utilizing variant allele frequency, disease prevalence and penetrance estimates, and inheritance mode, an automated score was calculated to assess if this variant is too frequent to cause the disease. Based on the score and internal cut-off values, a variant classified as benign is not then subjected to further curation. The score for this variant resulted in a classification of benign for this disease.

Illumina Laboratory Services, Illumina
Classification: Likely benign for Stickler syndrome type 1. Last evaluated: 2018-01-12. Review status: criteria provided, single submitter. Criteria: ICSL Variant Classification Criteria 13 December 2019. Collection method: clinical testing. Allele origin: germline.
Comment: This variant was observed in the ICSL laboratory as part of a predisposition screen in an ostensibly healthy population. It had not been previously curated by ICSL or reported in the Human Gene Mutation Database (HGMD: prior to June 1st, 2018), and was therefore a candidate for classification through an automated scoring system. Utilizing variant allele frequency, disease prevalence and penetrance estimates, and inheritance mode, an automated score was calculated to assess if this variant is too frequent to cause the disease. Based on the score and internal cut-off values, a variant classified as likely benign is not then subjected to further curation. The score for this variant resulted in a classification of likely benign for this disease.

Breakthrough Genomics
Classification: Likely benign. Review status: criteria provided, single submitter. Criteria: ACMG Guidelines, 2015. Collection method: not provided. Allele origin: germline. Inheritance: Autosomal dominant inheritance. Affected: yes.

NM_001844.5(COL2A1):c.507C>T (p.Pro169=)

Gene: COL2A1 (collagen type II alpha 1 chain; minus strand). Cytogenetic location: 12q13.11.
Variant type: single nucleotide variant.
Coding change: c.507C>T on transcript NM_001844.5 (MANE Select); coding-DNA position 507, C replaced by T.
Protein change: p.Pro169=; no amino-acid change (proline 169 retained).
Molecular consequence: synonymous variant.
Genome position (GRCh38, 1-based): chr12:47,997,630, G>A on the plus strand (C>T on the coding strand, the complement: COL2A1 is on the minus strand). VCF-style: chr12-47997630-G-A. GRCh37 (hg19) VCF-style: chr12-48391413-G-A.
Other names: c.300C>T, p.Pro100= (NM_033150.3).
Identifiers: ClinVar variation 308935 (VCV000308935.44), dbSNP rs143851987, ClinGen allele CA6535914.
Genomic context (GRCh38, chr12:47,997,630, plus strand): 5'-GGACAGCCTGAAGGAATGGGAAGTAAGGATACTTACTCCACCAAGACCAGGGGGACCAGG[G>A]GGGCCGGGAGGACCAGGGGGGCCAGGATTTCCAGGGGTCCCAGGTTCTCCATCTCTGCCA-3'
Protein context (NP_001835.3, residues 159-179): GNPGPPGPPG[Pro169=]PGPPGLGGNF